The following is an entry in ClinVar:

ClinVar aggregate classification (germline): Uncertain significance (1 of 4 stars; one submission).

Submission:

Labcorp Genetics (formerly Invitae), Labcorp
Classification: Uncertain significance. Last evaluated: 2019-11-21. Review status: criteria provided, single submitter. Criteria: Invitae Variant Classification Sherloc (09022015). Collection method: clinical testing. Allele origin: germline.
Comment: In summary, the available evidence is currently insufficient to determine the role of this variant in disease. Therefore, it has been classified as a Variant of Uncertain Significance. Algorithms developed to predict the effect of missense changes on protein structure and function are either unavailable or do not agree on the potential impact of this missense change (SIFT: "Deleterious"; PolyPhen-2: "Probably Damaging"; Align-GVGD: "Class C0"). This variant has not been reported in the literature in individuals with SCN3A-related conditions. This variant is not present in population databases (ExAC no frequency). This sequence change replaces glycine with serine at codon 956 of the SCN3A protein (p.Gly956Ser). The glycine residue is highly conserved and there is a small physicochemical difference between glycine and serine.

NM_006922.4(SCN3A):c.2866G>A (p.Gly956Ser)

Gene: SCN3A (sodium voltage-gated channel alpha subunit 3; minus strand). Cytogenetic location: 2q24.3.
Variant type: single nucleotide variant.
Coding change: c.2866G>A on transcript NM_006922.4 (MANE Select); coding-DNA position 2866, G replaced by A.
Protein change: p.Gly956Ser; replaces glycine 956 with serine.
Molecular consequence: missense variant.
Genome position (GRCh38, 1-based): chr2:165,129,996, C>T on the plus strand (G>A on the coding strand, the complement: SCN3A is on the minus strand). VCF-style: chr2-165129996-C-T. GRCh37 (hg19) VCF-style: chr2-165986506-C-T.
Other names: c.2719G>A, p.Gly907Ser (NM_001081676.2, NM_001081677.2); short protein forms G907S, G956S.
Identifiers: ClinVar variation 844487 (VCV000844487.9), dbSNP rs1687217067, ClinGen allele CA349042338.